The following is an entry in ClinVar:

NM_000426.4(LAMA2):c.1098G>C (p.Leu366Phe)

Gene: LAMA2 (laminin subunit alpha 2; plus strand). Cytogenetic location: 6q22.33.
Variant type: single nucleotide variant.
Coding change: c.1098G>C on transcript NM_000426.4 (MANE Select); coding-DNA position 1098, G replaced by C.
Protein change: p.Leu366Phe; replaces leucine 366 with phenylalanine.
Molecular consequence: missense variant.
Genome position (GRCh38, 1-based): chr6:129,154,575, G>C. VCF-style: chr6-129154575-G-C. GRCh37 (hg19) VCF-style: chr6-129475720-G-C.
Other names: c.1098G>C, p.Leu366Phe (NM_001079823.2); short protein forms L366F.
Identifiers: ClinVar variation 2172712 (VCV002172712.4), dbSNP rs1407791464, ClinGen allele CA365606914.

ClinVar aggregate classification (germline): Uncertain significance (1 of 4 stars; one submission).

Conditions:
LAMA2-related muscular dystrophy (LAMA2-RD). Also called: Laminin alpha 2-related dystrophy. Identifiers: MedGen C5679788, MONDO:0100228.

Allele frequency attached by ClinVar (database versions not stated): gnomAD exomes 0.00001.
gnomAD v4.1: 4 of 1,613,840 alleles (0.00025%); highest among the groups gnomAD compares: Admixed American, 0.0017%; no homozygotes.

Submission:

Labcorp Genetics (formerly Invitae), Labcorp
Classification: Uncertain significance for LAMA2-related muscular dystrophy. Last evaluated: 2022-04-11. Review status: criteria provided, single submitter. Criteria: Invitae Variant Classification Sherloc (09022015). Collection method: clinical testing. Allele origin: germline.
Comment: In summary, the available evidence is currently insufficient to determine the role of this variant in disease. Therefore, it has been classified as a Variant of Uncertain Significance. Advanced modeling of protein sequence and biophysical properties (such as structural, functional, and spatial information, amino acid conservation, physicochemical variation, residue mobility, and thermodynamic stability) performed at Invitae indicates that this missense variant is not expected to disrupt LAMA2 protein function. This variant has not been reported in the literature in individuals affected with LAMA2-related conditions. This variant is present in population databases (no rsID available, gnomAD 0.003%). This sequence change replaces leucine, which is neutral and non-polar, with phenylalanine, which is neutral and non-polar, at codon 366 of the LAMA2 protein (p.Leu366Phe).